The following is an entry in ClinVar:

NM_014780.5(CUL7):c.263del (p.Val88fs)

Gene: CUL7 (cullin 7; minus strand). Cytogenetic location: 6p21.1.
Variant type: Deletion.
Coding change: c.263del on transcript NM_014780.5 (MANE Select); coding-DNA position 263, one base deleted (T; older notation c.263delT).
Protein change: p.Val88fs; shifts the reading frame from valine 88.
Molecular consequence: frameshift variant.
Genome position (GRCh38, 1-based): chr6:43,052,526, A deleted on the plus strand (T on the coding strand, the reverse complement: CUL7 is on the minus strand). VCF-style (leftmost placement, unchanged base first): chr6-43052525-GA-G. GRCh37 (hg19) VCF-style: chr6-43020263-GA-G.
Other names: c.263del, p.Val88fs (NM_001168370.2, NM_001374872.1, NM_001374873.1 and 1 more transcripts); short protein forms V88fs.
Identifiers: ClinVar variation 191331 (VCV000191331.2), dbSNP rs786205651, ClinGen allele CA236449.

ClinVar aggregate classification (germline): Pathogenic/Likely pathogenic. Review status: criteria provided, multiple submitters, no conflicts (2 of 4 stars). 2 submissions from 2 submitters: Pathogenic (1); Likely pathogenic (1). Last evaluated 2024-10-04.

Conditions:
3M syndrome 1. Also called: 3-M Syndrome, CUL7-Related. Identifiers: Orphanet 2616, MedGen C2678312, MONDO:0010117, OMIM 273750.

Submissions (2):

Dubai Health Genomic Medicine Center, Dubai Health
Classification: Pathogenic for 3M syndrome 1. Last evaluated: 2024-10-04. Review status: criteria provided, single submitter. Criteria: ACMG Guidelines, 2015. Collection method: research. Allele origin: germline. Affected: yes.
Comment: PVS1,PM2,PP1

Genomic Medicine Center of Excellence, King Faisal Specialist Hospital and Research Centre
Classification: Likely pathogenic. Review status: criteria provided, single submitter. Criteria: ACMG Guidelines, 2015. Collection method: research. Allele origin: germline. Affected: yes.